The following is an entry in ClinVar:

ClinVar aggregate classification (germline): Uncertain significance (1 of 4 stars; one submission).

Conditions:
Axenfeld-Rieger syndrome type 3 (RIEG3). Also called: AXENFELD-RIEGER ANOMALY WITH CARDIAC DEFECTS AND/OR SENSORINEURAL HEARING LOSS. Identifiers: Orphanet 782, MedGen C2678503, MONDO:0011233, OMIM 602482.

gnomAD v4.1: 24 of 1,611,854 alleles (0.0015%); highest among the groups gnomAD compares: Non-Finnish European, 0.0019%; no homozygotes.

Submission:

Labcorp Genetics (formerly Invitae), Labcorp
Classification: Uncertain significance for Axenfeld-Rieger syndrome type 3. Last evaluated: 2025-03-24. Review status: criteria provided, single submitter. Criteria: Invitae Variant Classification Sherloc (09022015). Collection method: clinical testing. Allele origin: germline.
Comment: This sequence change affects codon 522 of the FOXC1 mRNA. It is a 'silent' change, meaning that it does not change the encoded amino acid sequence of the FOXC1 protein. The frequency data for this variant in the population databases is considered unreliable, as metrics indicate poor data quality at this position in the gnomAD database. This variant has not been reported in the literature in individuals affected with FOXC1-related conditions. In summary, the available evidence is currently insufficient to determine the role of this variant in disease. Therefore, it has been classified as a Variant of Uncertain Significance.

NM_001453.3(FOXC1):c.1566A>G (p.Pro522=)

Gene: FOXC1 (forkhead box C1; plus strand). Cytogenetic location: 6p25.3.
Variant type: single nucleotide variant.
Coding change: c.1566A>G on transcript NM_001453.3 (MANE Select); coding-DNA position 1566, A replaced by G.
Protein change: p.Pro522=; no amino-acid change (proline 522 retained).
Molecular consequence: synonymous variant.
Genome position (GRCh38, 1-based): chr6:1,612,011, A>G. VCF-style: chr6-1612011-A-G. GRCh37 (hg19) VCF-style: chr6-1612246-A-G.
Identifiers: ClinVar variation 4709109 (VCV004709109.1).